The following is an entry in ClinVar:

ClinVar aggregate classification (germline): Likely pathogenic (1 of 4 stars; one submission).

Conditions:
Familial thoracic aortic aneurysm and aortic dissection (TAAD). Also called: Thoracic aortic aneurysms and dissections. Identifiers: Orphanet 91387, MedGen C4707243, MONDO:0019625.

Submission:

Ambry Genetics
Classification: Likely pathogenic for Familial thoracic aortic aneurysm and aortic dissection. Last evaluated: 2022-09-02. Review status: criteria provided, single submitter. Criteria: Ambry Variant Classification Scheme 2023. Collection method: clinical testing. Allele origin: germline.
Comment: The p.G975A variant (also known as c.2924G>C), located in coding exon 40 of the COL3A1 gene, results from a G to C substitution at nucleotide position 2924. The glycine at codon 975 is replaced by alanine, an amino acid with similar properties. The majority (approximately two-thirds) of COL3A1 mutations identified to date have involved the substitution of another amino acid for glycine within the triple-helical domain (Pepin MG et al. Genet Med. 2014;16(12):881-8; Frank M et al. Eur J Hum Genet. 2015;23(12):1657-64). Internal structural analysis indicates that this alteration disrupts the characteristic G-X-Y motif in the COL3A1 protein and inserts a bulky side chain into a sterically-constrained region (Bella J et al. Science. 1994;266:75-81; Hohenester E et al. Proc. Natl. Acad. Sci. U.S.A. 2008;105:18273-7; Ambry internal data). This variant is considered to be rare based on population cohorts in the Genome Aggregation Database (gnomAD). This amino acid position is highly conserved in available vertebrate species. In addition, this alteration is predicted to be deleterious by in silico analysis. Based on the majority of available evidence to date, this variant is likely to be pathogenic.

NM_000090.4(COL3A1):c.2924G>C (p.Gly975Ala)

Gene: COL3A1 (collagen type III alpha 1 chain; plus strand). Cytogenetic location: 2q32.2.
Variant type: single nucleotide variant.
Coding change: c.2924G>C on transcript NM_000090.4 (MANE Select); coding-DNA position 2924, G replaced by C.
Protein change: p.Gly975Ala; replaces glycine 975 with alanine.
Molecular consequence: missense variant.
Genome position (GRCh38, 1-based): chr2:189,004,357, G>C. VCF-style: chr2-189004357-G-C. GRCh37 (hg19) VCF-style: chr2-189869083-G-C.
Other names: short protein forms G975A.
Identifiers: ClinVar variation 1797742 (VCV001797742.2), dbSNP rs587779542, ClinGen allele CA349844647.